The following is an entry in ClinVar:

NM_000260.4(MYO7A):c.2940G>T (p.Glu980Asp)

Gene: MYO7A (myosin VIIA; plus strand). Cytogenetic location: 11q13.5.
Variant type: single nucleotide variant.
Coding change: c.2940G>T on transcript NM_000260.4 (MANE Select); coding-DNA position 2940, G replaced by T.
Protein change: p.Glu980Asp; replaces glutamic acid 980 with aspartic acid.
Molecular consequence: missense variant.
Genome position (GRCh38, 1-based): chr11:77,181,986, G>T. VCF-style: chr11-77181986-G-T. GRCh37 (hg19) VCF-style: chr11-76893032-G-T.
Other names: c.2940G>T, p.Glu980Asp (NM_001127180.2); c.2907G>T, p.Glu969Asp (NM_001369365.1); short protein forms E969D, E980D.
Identifiers: ClinVar variation 1436320 (VCV001436320.5), dbSNP rs782348854, ClinGen allele CA6197980.
Genomic context (GRCh38, chr11:77,181,986, plus strand): 5'-AGGGCATACCTCTTGTCTCCTTCAGGACCTGGAGCGAGGGCGGAGGGAGATGGTGGAGGA[G>T]GACCTGGATGCAGCCCTGCCCCTGCCTGACGAGGATGAGGAGGACCTCTCTGAGTATAAA-3'
Protein context (NP_000251.3, residues 970-990): LERGRREMVE[Glu980Asp]DLDAALPLPD

ClinVar aggregate classification (germline): Uncertain significance (1 of 4 stars; one submission).

Allele frequency attached by ClinVar (database versions not stated): gnomAD exomes below 0.00001; TOPMed below 0.00001; ExAC 0.00001.
gnomAD v4.1: 20 of 1,613,256 alleles (0.0012%); highest among the groups gnomAD compares: Non-Finnish European, 0.0014%; no homozygotes.

Submission:

Labcorp Genetics (formerly Invitae), Labcorp
Classification: Uncertain significance. Last evaluated: 2021-08-31. Review status: criteria provided, single submitter. Criteria: Invitae Variant Classification Sherloc (09022015). Collection method: clinical testing. Allele origin: germline.
Comment: This sequence change replaces glutamic acid with aspartic acid at codon 980 of the MYO7A protein (p.Glu980Asp). The glutamic acid residue is moderately conserved and there is a small physicochemical difference between glutamic acid and aspartic acid. This variant is present in population databases (rs782348854, ExAC 0.002%). This variant has not been reported in the literature in individuals affected with MYO7A-related conditions. Algorithms developed to predict the effect of missense changes on protein structure and function output the following: SIFT: "Tolerated"; PolyPhen-2: "Benign"; Align-GVGD: "Class C0". The aspartic acid amino acid residue is found in multiple mammalian species, which suggests that this missense change does not adversely affect protein function. In summary, the available evidence is currently insufficient to determine the role of this variant in disease. Therefore, it has been classified as a Variant of Uncertain Significance.